The following is an entry in ClinVar:

ClinVar aggregate classification (germline): Benign/Likely benign. Review status: criteria provided, multiple submitters, no conflicts (2 of 4 stars). 3 submissions from 3 submitters: Benign (1); Likely benign (2). Last evaluated 2018-06-14.

Allele frequency attached by ClinVar (database versions not stated): TOPMed 0.18186; 1000 Genomes Project 30x 0.24781; gnomAD exomes 0.13671 and 0.15933; gnomAD 0.17810 and 0.18049; ESP Exome Variant Server 0.17876; 1000 Genomes Project 0.24880; ExAC 0.16308.
gnomAD v4.1: 228,205 of 1,612,170 alleles (14%); highest among the groups gnomAD compares: East Asian, 43%; 19,788 homozygotes.

Submissions (3):

GeneDx
Classification: Benign. Last evaluated: 2018-06-14. Review status: criteria provided, single submitter. Criteria: GeneDx Variant Classification (06012015). Collection method: clinical testing. Allele origin: germline. Affected: yes.
Comment: This variant is considered likely benign or benign based on one or more of the following criteria: it is a conservative change, it occurs at a poorly conserved position in the protein, it is predicted to be benign by multiple in silico algorithms, and/or has population frequency not consistent with disease.

Breakthrough Genomics
Classification: Likely benign. Review status: criteria provided, single submitter. Criteria: ACMG Guidelines, 2015. Collection method: not provided. Allele origin: germline. Inheritance: Autosomal recessive inheritance. Affected: yes.

PreventionGenetics, part of Exact Sciences
Classification: Likely benign. Review status: criteria provided, single submitter. Criteria: ACMG Guidelines, 2015. Collection method: clinical testing. Allele origin: germline.

NM_182961.4(SYNE1):c.2098-29C>T

Gene: SYNE1 (spectrin repeat containing nuclear envelope protein 1; minus strand). Cytogenetic location: 6q25.2.
Variant type: single nucleotide variant.
Coding change: c.2098-29C>T on transcript NM_182961.4 (MANE Select); 29 bases into the intron before coding-DNA position 2098, C replaced by T.
Molecular consequence: intron variant.
Genome position (GRCh38, 1-based): chr6:152,462,919, G>A on the plus strand (C>T on the coding strand, the complement: SYNE1 is on the minus strand). VCF-style: chr6-152462919-G-A. GRCh37 (hg19) VCF-style: chr6-152784054-G-A.
Other names: c.2119-29C>T (NM_033071.5).
Identifiers: ClinVar variation 262180 (VCV000262180.3), dbSNP rs7775181, ClinGen allele CA4059225.